The following is an entry in ClinVar:

NM_017780.4(CHD7):c.8774C>T (p.Ala2925Val)

Gene: CHD7 (chromodomain helicase DNA binding protein 7; plus strand). Cytogenetic location: 8q12.2.
Variant type: single nucleotide variant.
Coding change: c.8774C>T on transcript NM_017780.4 (MANE Select); coding-DNA position 8774, C replaced by T.
Protein change: p.Ala2925Val; replaces alanine 2925 with valine.
Molecular consequence: missense variant.
Genome position (GRCh38, 1-based): chr8:60,865,713, C>T. VCF-style: chr8-60865713-C-T. GRCh37 (hg19) VCF-style: chr8-61778272-C-T.
Other names: c.2627C>T, p.Ala876Val (NM_001316690.1); short protein forms A2925V, A876V.
Identifiers: ClinVar variation 581109 (VCV000581109.11), dbSNP rs1563674763, ClinGen allele CA371311746.

ClinVar aggregate classification (germline): Uncertain significance. Review status: criteria provided, multiple submitters, no conflicts (2 of 4 stars). 2 submissions from 2 submitters: Uncertain significance (2). Last evaluated 2023-08-10.

Conditions:
CHARGE syndrome (CHARGE). Also called: Hittner Hirsch Kreh syndrome; Coloboma, heart anomaly, choanal atresia, retardation, genital and ear anomalies; CHARGE association; Hall-Hittner syndrome; CHARGE ASSOCIATION--COLOBOMA, HEART ANOMALY, CHOANAL ATRESIA, RETARDATION, GENITAL AND EAR ANOMALIES. Identifiers: Orphanet 138, MedGen C0265354, MONDO:0008965.

Allele frequency attached by ClinVar (database versions not stated): gnomAD exomes below 0.00001; TOPMed below 0.00001.
gnomAD v4.1: 2 of 1,608,006 alleles (0.00012%); highest among the groups gnomAD compares: South Asian, 0.0011%; no homozygotes.

Submissions (2):

Labcorp Genetics (formerly Invitae), Labcorp
Classification: Uncertain significance for CHARGE syndrome. Last evaluated: 2023-08-10. Review status: criteria provided, single submitter. Criteria: Invitae Variant Classification Sherloc (09022015). Collection method: clinical testing. Allele origin: germline.
Comment: This sequence change replaces alanine, which is neutral and non-polar, with valine, which is neutral and non-polar, at codon 2925 of the CHD7 protein (p.Ala2925Val). This variant is not present in population databases (gnomAD no frequency). In summary, the available evidence is currently insufficient to determine the role of this variant in disease. Therefore, it has been classified as a Variant of Uncertain Significance. Advanced modeling of protein sequence and biophysical properties (such as structural, functional, and spatial information, amino acid conservation, physicochemical variation, residue mobility, and thermodynamic stability) performed at Invitae indicates that this missense variant is not expected to disrupt CHD7 protein function. ClinVar contains an entry for this variant (Variation ID: 581109). This variant has not been reported in the literature in individuals affected with CHD7-related conditions.

Blueprint Genetics
Classification: Uncertain significance. Last evaluated: 2020-05-07. Review status: criteria provided, single submitter. Criteria: ACMG Guidelines, 2015. Collection method: clinical testing. Allele origin: germline.